The following is an entry in ClinVar:

NM_001040108.2(MLH3):c.4016T>A (p.Leu1339His)

Gene: MLH3 (mutL homolog 3; minus strand). Cytogenetic location: 14q24.3.
Variant type: single nucleotide variant.
Coding change: c.4016T>A on transcript NM_001040108.2 (MANE Select); coding-DNA position 4016, T replaced by A.
Protein change: p.Leu1339His; replaces leucine 1339 with histidine.
Molecular consequence: missense variant.
Genome position (GRCh38, 1-based): chr14:75,022,888, A>T on the plus strand (T>A on the coding strand, the complement: MLH3 is on the minus strand). VCF-style: chr14-75022888-A-T. GRCh37 (hg19) VCF-style: chr14-75489591-A-T.
Other names: c.3944T>A, p.Leu1315His (NM_014381.3); short protein forms L1339H, L1315H.
Identifiers: ClinVar variation 3295092 (VCV003295092.1).

ClinVar aggregate classification (germline): Uncertain significance (1 of 4 stars; one submission).

Submission:

Ambry Genetics
Classification: Uncertain significance. Last evaluated: 2024-03-20. Review status: criteria provided, single submitter. Criteria: Ambry Variant Classification Scheme 2023. Collection method: clinical testing. Allele origin: germline.
Comment: The p.L1339H variant (also known as c.4016T>A), located in coding exon 10 of the MLH3 gene, results from a T to A substitution at nucleotide position 4016. The leucine at codon 1339 is replaced by histidine, an amino acid with similar properties. This amino acid position is conserved. In addition, this alteration is predicted to be deleterious by in silico analysis. Based on the available evidence, the clinical significance of this alteration remains unclear.